The following is an entry in ClinVar:

NM_153490.3(KRT13):c.1286G>A (p.Arg429His)

Gene: KRT13 (keratin 13; minus strand). Cytogenetic location: 17q21.2.
Variant type: single nucleotide variant.
Coding change: c.1286G>A on transcript NM_153490.3 (MANE Select); coding-DNA position 1286, G replaced by A.
Protein change: p.Arg429His; replaces arginine 429 with histidine.
Molecular consequence: missense variant. On other transcripts: synonymous variant (1).
Genome position (GRCh38, 1-based): chr17:41,501,347, C>T on the plus strand (G>A on the coding strand, the complement: KRT13 is on the minus strand). VCF-style: chr17-41501347-C-T. GRCh37 (hg19) VCF-style: chr17-39657599-C-T.
Other names: c.1260G>A, p.Pro420= (NM_002274.4); short protein forms R429H.
Identifiers: ClinVar variation 323075 (VCV000323075.28), dbSNP rs150321809, ClinGen allele CA8560422.

ClinVar aggregate classification (germline): Benign. Review status: criteria provided, multiple submitters, no conflicts (2 of 4 stars). 3 submissions from 3 submitters: Benign (3). Last evaluated 2026-03-01.

Conditions:
White sponge nevus 2 (WSN2). Identifiers: MedGen C4014321, MONDO:0014346, OMIM 615785.

Allele frequency attached by ClinVar (database versions not stated): 1000 Genomes Project 0.00040; 1000 Genomes Project 30x 0.00047; TOPMed 0.00151; ESP Exome Variant Server 0.00170; ExAC 0.00211.
gnomAD v4.1: 2,772 of 1,564,846 alleles (0.18%); highest among the groups gnomAD compares: Middle Eastern, 0.37%; 4 homozygotes.

Submissions (3):

CeGaT Center for Human Genetics Tuebingen
Classification: Benign. Last evaluated: 2026-03-01. Review status: criteria provided, single submitter. Criteria: CeGaT Center For Human Genetics Tuebingen Variant Classification Criteria Version 2. Collection method: clinical testing. Allele origin: germline. Affected: yes. Observed: 2 variant alleles.
Comment: KRT13: BP4, BS1, BS2

Illumina Laboratory Services, Illumina
Classification: Benign for White sponge nevus 2. Last evaluated: 2018-01-13. Review status: criteria provided, single submitter. Criteria: ICSL Variant Classification Criteria 13 December 2019. Collection method: clinical testing. Allele origin: germline.
Comment: This variant was observed in the ICSL laboratory as part of a predisposition screen in an ostensibly healthy population. It had not been previously curated by ICSL or reported in the Human Gene Mutation Database (HGMD: prior to June 1st, 2018), and was therefore a candidate for classification through an automated scoring system. Utilizing variant allele frequency, disease prevalence and penetrance estimates, and inheritance mode, an automated score was calculated to assess if this variant is too frequent to cause the disease. Based on the score and internal cut-off values, a variant classified as benign is not then subjected to further curation. The score for this variant resulted in a classification of benign for this disease.

Breakthrough Genomics
Classification: Benign. Review status: criteria provided, single submitter. Criteria: ACMG Guidelines, 2015. Collection method: not provided. Allele origin: germline. Inheritance: Autosomal dominant inheritance. Affected: yes.